The following is an entry in ClinVar:

NM_003072.5(SMARCA4):c.485T>C (p.Leu162Ser)

Gene: SMARCA4 (SWI/SNF related BAF chromatin remodeling complex subunit ATPase 4; plus strand). Cytogenetic location: 19p13.2.
Variant type: single nucleotide variant.
Coding change: c.485T>C on transcript NM_003072.5 (MANE Select); coding-DNA position 485, T replaced by C.
Protein change: p.Leu162Ser; replaces leucine 162 with serine.
Molecular consequence: missense variant. On other transcripts: non-coding transcript variant (1).
Genome position (GRCh38, 1-based): chr19:10,986,318, T>C. VCF-style: chr19-10986318-T-C. GRCh37 (hg19) VCF-style: chr19-11096994-T-C.
Other names: c.485T>C, p.Leu162Ser (NM_001128844.3, NM_001128845.2, NM_001128846.2 and 5 more transcripts); short protein forms L162S.
Identifiers: ClinVar variation 1044790 (VCV001044790.8), dbSNP rs2086028307, ClinGen allele CA404056108.

ClinVar aggregate classification (germline): Uncertain significance (1 of 4 stars; one submission).

Conditions:
Rhabdoid tumor predisposition syndrome 2 (RTPS2). Identifiers: Orphanet 231108, Orphanet 69077, MedGen C2750074, MONDO:0013224, OMIM 613325.

Submission:

Labcorp Genetics (formerly Invitae), Labcorp
Classification: Uncertain significance for Rhabdoid tumor predisposition syndrome 2. Last evaluated: 2020-06-15. Review status: criteria provided, single submitter. Criteria: Invitae Variant Classification Sherloc (09022015). Collection method: clinical testing. Allele origin: germline.
Comment: This sequence change replaces leucine with serine at codon 162 of the SMARCA4 protein (p.Leu162Ser). The leucine residue is highly conserved and there is a large physicochemical difference between leucine and serine. In summary, the available evidence is currently insufficient to determine the role of this variant in disease. Therefore, it has been classified as a Variant of Uncertain Significance. Algorithms developed to predict the effect of missense changes on protein structure and function are either unavailable or do not agree on the potential impact of this missense change (SIFT: "Deleterious"; PolyPhen-2: "Benign"; Align-GVGD: "Class C0"). This variant has not been reported in the literature in individuals with SMARCA4-related conditions. This variant is not present in population databases (ExAC no frequency).